The following is an entry in ClinVar:

NM_001039876.3(SYNE4):c.997C>T (p.His333Tyr)

Gene: SYNE4 (spectrin repeat containing nuclear envelope family member 4; minus strand). Cytogenetic location: 19q13.12.
Variant type: single nucleotide variant.
Coding change: c.997C>T on transcript NM_001039876.3 (MANE Select); coding-DNA position 997, C replaced by T.
Protein change: p.His333Tyr; replaces histidine 333 with tyrosine.
Molecular consequence: missense variant.
Genome position (GRCh38, 1-based): chr19:36,003,647, G>A on the plus strand (C>T on the coding strand, the complement: SYNE4 is on the minus strand). VCF-style: chr19-36003647-G-A. GRCh37 (hg19) VCF-style: chr19-36494549-G-A.
Other names: c.658C>T, p.His220Tyr (NM_001297735.3); short protein forms H220Y, H333Y.
Identifiers: ClinVar variation 3603197 (VCV003603197.1).

ClinVar aggregate classification (germline): Uncertain significance (1 of 4 stars; one submission).

gnomAD v4.1: 1 of 1,613,100 alleles (0.000062%); highest among the groups gnomAD compares: Non-Finnish European, 0.000085%; no homozygotes.

Submission:

GeneDx
Classification: Uncertain significance. Last evaluated: 2024-08-07. Review status: criteria provided, single submitter. Criteria: GeneDx Variant Classification Process June 2021. Collection method: clinical testing. Allele origin: germline. Affected: yes.
Comment: Not observed at significant frequency in large population cohorts (gnomAD); In silico analysis supports that this missense variant has a deleterious effect on protein structure/function; Has not been previously published as pathogenic or benign to our knowledge